The following is an entry in ClinVar:

NM_001999.4(FBN2):c.6556C>G (p.Gln2186Glu)

Gene: FBN2 (fibrillin 2; minus strand). Cytogenetic location: 5q23.3.
Variant type: single nucleotide variant.
Coding change: c.6556C>G on transcript NM_001999.4 (MANE Select); coding-DNA position 6556, C replaced by G.
Protein change: p.Gln2186Glu; replaces glutamine 2186 with glutamic acid.
Molecular consequence: missense variant.
Genome position (GRCh38, 1-based): chr5:128,289,208, G>C on the plus strand (C>G on the coding strand, the complement: FBN2 is on the minus strand). VCF-style: chr5-128289208-G-C. GRCh37 (hg19) VCF-style: chr5-127624900-G-C.
Other names: short protein forms Q2186E.
Identifiers: ClinVar variation 1700375 (VCV001700375.5), dbSNP rs1415043313, ClinGen allele CA360761256.

ClinVar aggregate classification (germline): Uncertain significance. Review status: criteria provided, multiple submitters, no conflicts (2 of 4 stars). 2 submissions from 2 submitters: Uncertain significance (2). Last evaluated 2023-01-13.

Conditions:
Congenital contractural arachnodactyly (CCA). Also called: BEALS SYNDROME; Beals-Hecht syndrome; Arthrogryposis, distal, type 9. Identifiers: Orphanet 115, MedGen C0220668, MONDO:0007363, OMIM 121050.

Allele frequency attached by ClinVar (database versions not stated): TOPMed 0.00002; gnomAD 0.00003 and 0.00004.
gnomAD v4.1: 7 of 1,613,460 alleles (0.00043%); highest among the groups gnomAD compares: African/African-American, 0.0093%; no homozygotes.

Submissions (2):

Labcorp Genetics (formerly Invitae), Labcorp
Classification: Uncertain significance for Congenital contractural arachnodactyly. Last evaluated: 2023-01-13. Review status: criteria provided, single submitter. Criteria: Invitae Variant Classification Sherloc (09022015). Collection method: clinical testing. Allele origin: germline.
Comment: This sequence change replaces glutamine, which is neutral and polar, with glutamic acid, which is acidic and polar, at codon 2186 of the FBN2 protein (p.Gln2186Glu). This variant is not present in population databases (gnomAD no frequency). This variant has not been reported in the literature in individuals affected with FBN2-related conditions. ClinVar contains an entry for this variant (Variation ID: 1700375). Advanced modeling of protein sequence and biophysical properties (such as structural, functional, and spatial information, amino acid conservation, physicochemical variation, residue mobility, and thermodynamic stability) performed at Invitae indicates that this missense variant is not expected to disrupt FBN2 protein function. In summary, the available evidence is currently insufficient to determine the role of this variant in disease. Therefore, it has been classified as a Variant of Uncertain Significance.

GeneDx
Classification: Uncertain significance. Last evaluated: 2022-07-12. Review status: criteria provided, single submitter. Criteria: GeneDx Variant Classification Process June 2021. Collection method: clinical testing. Allele origin: germline. Affected: yes.
Comment: Has not been previously published as pathogenic or benign to our knowledge; Not observed at significant frequency in large population cohorts (gnomAD); In silico analysis supports that this missense variant does not alter protein structure/function; Not located within exons 24-33, where the majority of pathogenic variants reported to date occur (Callewaert et al., 2009, Frederic et al., 2009); Although located in a calcium-binding EGF-like domain of the FBN2 gene, it does not substitute or introduce a cysteine residue (Callewaert et al., 2009; Frederic et al., 2009)